The following is an entry in ClinVar:

NM_031263.4(HNRNPK):c.796C>T (p.Pro266Ser)

Gene: HNRNPK (heterogeneous nuclear ribonucleoprotein K; minus strand). Cytogenetic location: 9q21.32.
Variant type: single nucleotide variant.
Coding change: c.796C>T on transcript NM_031263.4 (MANE Select); coding-DNA position 796, C replaced by T.
Protein change: p.Pro266Ser; replaces proline 266 with serine.
Molecular consequence: missense variant.
Genome position (GRCh38, 1-based): chr9:83,972,039, G>A on the plus strand (C>T on the coding strand, the complement: HNRNPK is on the minus strand). VCF-style: chr9-83972039-G-A. GRCh37 (hg19) VCF-style: chr9-86586954-G-A.
Other names: c.724C>T, p.Pro242Ser (NM_001318186.2, NM_001318187.2); c.796C>T, p.Pro266Ser (NM_001318188.2, NM_002140.5, NM_031262.4); short protein forms P266S, P242S.
Identifiers: ClinVar variation 452648 (VCV000452648.5), dbSNP rs753722223, ClinGen allele CA5104078.

ClinVar aggregate classification (germline): Uncertain significance. Review status: criteria provided, multiple submitters, no conflicts (2 of 4 stars). 2 submissions from 2 submitters: Uncertain significance (2). Last evaluated 2023-10-29.

Allele frequency attached by ClinVar (database versions not stated): gnomAD exomes below 0.00001; ExAC 0.00001.
gnomAD v4.1: 6 of 1,613,936 alleles (0.00037%); highest among the groups gnomAD compares: Non-Finnish European, 0.00042%; no homozygotes.

Submissions (2):

Labcorp Genetics (formerly Invitae), Labcorp
Classification: Uncertain significance. Last evaluated: 2023-10-29. Review status: criteria provided, single submitter. Criteria: Invitae Variant Classification Sherloc (09022015). Collection method: clinical testing. Allele origin: germline.
Comment: This sequence change replaces proline, which is neutral and non-polar, with serine, which is neutral and polar, at codon 266 of the HNRNPK protein (p.Pro266Ser). This variant is present in population databases (rs753722223, gnomAD 0.0009%). This variant has not been reported in the literature in individuals affected with HNRNPK-related conditions. ClinVar contains an entry for this variant (Variation ID: 452648). Advanced modeling of protein sequence and biophysical properties (such as structural, functional, and spatial information, amino acid conservation, physicochemical variation, residue mobility, and thermodynamic stability) performed at Invitae indicates that this missense variant is not expected to disrupt HNRNPK protein function with a negative predictive value of 80%. In summary, the available evidence is currently insufficient to determine the role of this variant in disease. Therefore, it has been classified as a Variant of Uncertain Significance.

GeneDx
Classification: Uncertain significance. Last evaluated: 2017-10-09. Review status: criteria provided, single submitter. Criteria: GeneDx Variant Classification (06012015). Collection method: clinical testing. Allele origin: germline. Affected: yes.
Comment: The P266S variant in the HNRNPK gene has not been reported previously as a pathogenic variant, nor as a benign variant, to our knowledge. This variant is observed in 1/111392 (0.0009%) alleles from individuals of non-Finnish European background in the ExAC dataset (Lek et al., 2016). The P266S variant is a non-conservative amino acid substitution, which is likely to impact secondary protein structure as these residues differ in polarity, charge, size and/or other properties. This substitution occurs at a position that is conserved in mammals. In silico analysis is inconsistent in its predictions as to whether or not the variant is damaging to the protein structure/function. We interpret P266S as a variant of uncertain significance.